The following is an entry in ClinVar:

NM_145199.3(LIPT1):c.-2+1338G>A

Gene: LIPT1 (lipoyltransferase 1; plus strand). Cytogenetic location: 2q11.2.
Variant type: single nucleotide variant.
Coding change: c.-2+1338G>A on transcript NM_145199.3 (MANE Select); 1338 bases into the intron after 2 bases upstream of the start codon, G replaced by A.
Molecular consequence: intron variant. On other transcripts: 5 prime UTR variant (4), non-coding transcript variant (1).
Genome position (GRCh38, 1-based): chr2:99,156,389, G>A. VCF-style: chr2-99156389-G-A. GRCh37 (hg19) VCF-style: chr2-99772852-G-A.
Other names: c.-39G>A (NM_001204830.2, NM_015929.4); c.-167G>A (NM_145197.3); c.-155G>A (NM_145198.3).
Identifiers: ClinVar variation 380552 (VCV000380552.1), dbSNP rs190816941, ClinGen allele CA16604328.

ClinVar aggregate classification (germline): Benign (1 of 4 stars; one submission).

Allele frequency attached by ClinVar (database versions not stated): gnomAD 0.01414; 1000 Genomes Project 0.01438; 1000 Genomes Project 30x 0.01483; TOPMed 0.01730.

Submission:

GeneDx
Classification: Benign. Last evaluated: 2016-03-01. Review status: criteria provided, single submitter. Criteria: GeneDx Variant Classification (06012015). Collection method: clinical testing. Allele origin: germline. Affected: yes.
Comment: This variant is considered likely benign or benign based on one or more of the following criteria: it is a conservative change, it occurs at a poorly conserved position in the protein, it is predicted to be benign by multiple in silico algorithms, and/or has population frequency not consistent with disease.